The following is an entry in ClinVar:

ClinVar aggregate classification (germline): Uncertain significance (1 of 4 stars; one submission).

Allele frequency attached by ClinVar (database versions not stated): ExAC 0.00002; gnomAD 0.00003; TOPMed 0.00004.
gnomAD v4.1: 8 of 1,613,318 alleles (0.0005%); highest among the groups gnomAD compares: African/African-American, 0.0067%; no homozygotes.

Submission:

Labcorp Genetics (formerly Invitae), Labcorp
Classification: Uncertain significance. Last evaluated: 2024-02-24. Review status: criteria provided, single submitter. Criteria: Invitae Variant Classification Sherloc (09022015). Collection method: clinical testing. Allele origin: germline.
Comment: This sequence change replaces proline, which is neutral and non-polar, with leucine, which is neutral and non-polar, at codon 395 of the COL9A1 protein (p.Pro395Leu). This variant is present in population databases (rs780894021, gnomAD 0.01%). This variant has not been reported in the literature in individuals affected with COL9A1-related conditions. ClinVar contains an entry for this variant (Variation ID: 1011485). Advanced modeling of protein sequence and biophysical properties (such as structural, functional, and spatial information, amino acid conservation, physicochemical variation, residue mobility, and thermodynamic stability) performed at Invitae indicates that this missense variant is not expected to disrupt COL9A1 protein function with a negative predictive value of 95%. In summary, the available evidence is currently insufficient to determine the role of this variant in disease. Therefore, it has been classified as a Variant of Uncertain Significance.

NM_001851.6(COL9A1):c.1184C>T (p.Pro395Leu)

Genes: COL9A1 (collagen type IX alpha 1 chain; minus strand), LOC129996692 (ATAC-STARR-seq lymphoblastoid active region 24730; plus strand). Cytogenetic location: 6q13.
Variant type: single nucleotide variant.
Coding change: c.1184C>T on transcript NM_001851.6 (MANE Select); coding-DNA position 1184, C replaced by T.
Protein change: p.Pro395Leu; replaces proline 395 with leucine.
Molecular consequence: missense variant. On other transcripts: non-coding transcript variant (1).
Genome position (GRCh38, 1-based): chr6:70,270,327, G>A on the plus strand (C>T on the coding strand, the complement: COL9A1 is on the minus strand). VCF-style: chr6-70270327-G-A. GRCh37 (hg19) VCF-style: chr6-70980030-G-A.
Other names: c.455C>T, p.Pro152Leu (NM_001377289.1, NM_001377290.1, NM_078485.4); short protein forms P152L, P395L.
Identifiers: ClinVar variation 1011485 (VCV001011485.8), dbSNP rs780894021, ClinGen allele CA3882358.